The following is an entry in ClinVar:

NM_001034853.2(RPGR):c.1282C>G (p.Leu428Val)

Gene: RPGR (retinitis pigmentosa GTPase regulator; minus strand). Cytogenetic location: Xp11.4.
Variant type: single nucleotide variant.
Coding change: c.1282C>G on transcript NM_001034853.2 (MANE Select); coding-DNA position 1282, C replaced by G.
Protein change: p.Leu428Val; replaces leucine 428 with valine.
Molecular consequence: missense variant. On other transcripts: non-coding transcript variant (6).
Genome position (GRCh38, 1-based): chrX:38,297,416, G>C on the plus strand (C>G on the coding strand, the complement: RPGR is on the minus strand). VCF-style: chrX-38297416-G-C. GRCh37 (hg19) VCF-style: chrX-38156669-G-C.
Other names: c.1282C>G, p.Leu428Val (NM_000328.3, NM_001367247.1); c.1279C>G, p.Leu427Val (NM_001367245.1, NM_001367249.1, NM_001367250.1); c.1096C>G, p.Leu366Val (NM_001367246.1, NM_001367251.1); c.1312C>G, p.Leu438Val (NM_001367248.1); c.1282C>G (NM_001034853.1); short protein forms L438V, L428V, L366V, L427V.
Identifiers: ClinVar variation 2199913 (VCV002199913.8), dbSNP rs182345461, ClinGen allele CA10385496.

ClinVar aggregate classification (germline): Likely benign. Review status: criteria provided, multiple submitters, no conflicts (2 of 4 stars). 3 submissions from 3 submitters: Likely benign (3). Last evaluated 2026-02-13.

Conditions:
RPGR-related disorder. Also called: RPGR-related condition.
Primary ciliary dyskinesia. Also called: Ciliary dyskinesia. Identifiers: Orphanet 244, MedGen C0008780, MONDO:0016575, HP:0012265.

Allele frequency attached by ClinVar (database versions not stated): gnomAD exomes 0.00002; TOPMed 0.00007; gnomAD 0.00009; ExAC 0.00011; 1000 Genomes Project 30x 0.00021; 1000 Genomes Project 0.00026.
gnomAD v4.1: 38 of 1,206,505 alleles (0.0031%); highest among the groups gnomAD compares: East Asian, 0.1%; no homozygotes.

Submissions (3):

PreventionGenetics, part of Exact Sciences
Classification: Likely benign for RPGR-related condition. Last evaluated: 2026-02-13. Review status: criteria provided, single submitter. Criteria: ACMG Guidelines, 2015. Collection method: clinical testing. Allele origin: germline.
Comment: This variant is classified as likely benign based on ACMG/AMP sequence variant interpretation guidelines (Richards et al. 2015 PMID: 25741868, with internal and published modifications).

Labcorp Genetics (formerly Invitae), Labcorp
Classification: Likely benign for Primary ciliary dyskinesia. Last evaluated: 2025-10-14. Review status: criteria provided, single submitter. Criteria: Invitae Variant Classification Sherloc (09022015). Collection method: clinical testing. Allele origin: germline.

Blueprint Genetics
Classification: Likely benign. Last evaluated: 2023-12-14. Review status: criteria provided, single submitter. Criteria: ACMG Guidelines, 2015. Collection method: clinical testing. Allele origin: germline.